The following is an entry in ClinVar:

ClinVar aggregate classification (germline): Likely pathogenic (1 of 4 stars; one submission).

Allele frequency attached by ClinVar (database versions not stated): gnomAD exomes below 0.00001; ExAC 0.00001.
gnomAD v4.1: 1 of 1,576,170 alleles (0.000063%); highest among the groups gnomAD compares: South Asian, 0.0011%; no homozygotes.

Submission:

Labcorp Genetics (formerly Invitae), Labcorp
Classification: Likely pathogenic. Last evaluated: 2023-11-19. Review status: criteria provided, single submitter. Criteria: Invitae Variant Classification Sherloc (09022015). Collection method: clinical testing. Allele origin: germline.
Comment: This sequence change replaces serine, which is neutral and polar, with asparagine, which is neutral and polar, at codon 348 of the LOX protein (p.Ser348Asn). This variant is present in population databases (rs754162352, gnomAD 0.003%). This variant has not been reported in the literature in individuals affected with LOX-related conditions. Advanced modeling of protein sequence and biophysical properties (such as structural, functional, and spatial information, amino acid conservation, physicochemical variation, residue mobility, and thermodynamic stability) performed at Invitae indicates that this missense variant is expected to disrupt LOX protein function with a positive predictive value of 95%. This variant disrupts the p.Ser348 amino acid residue in LOX. Other variant(s) that disrupt this residue have been determined to be pathogenic (PMID: 26838787). This suggests that this residue is clinically significant, and that variants that disrupt this residue are likely to be disease-causing. In summary, the currently available evidence indicates that the variant is pathogenic, but additional data are needed to prove that conclusively. Therefore, this variant has been classified as Likely Pathogenic.

Literature cited by the submitters: PubMed 26838787.

NM_002317.7(LOX):c.1043G>A (p.Ser348Asn)

Genes: LOX (lysyl oxidase; minus strand), SRFBP1 (serum response factor binding protein 1; plus strand). Cytogenetic location: 5q23.1.
Variant type: single nucleotide variant.
Coding change: c.1043G>A on transcript NM_002317.7 (MANE Select); coding-DNA position 1043, G replaced by A.
Protein change: p.Ser348Asn; replaces serine 348 with asparagine.
Molecular consequence: missense variant.
Genome position (GRCh38, 1-based): chr5:122,070,582, C>T on the plus strand (G>A on the coding strand, the complement: LOX is on the minus strand). VCF-style: chr5-122070582-C-T. GRCh37 (hg19) VCF-style: chr5-121406277-C-T.
Other names: c.353G>A, p.Ser118Asn (NM_001178102.2); c.152G>A, p.Ser51Asn (NM_001317073.1); short protein forms S51N, S118N, S348N.
Identifiers: ClinVar variation 2693057 (VCV002693057.3), dbSNP rs754162352, ClinGen allele CA3383856.
Genomic context (GRCh38, chr5:122,070,582, plus strand): 5'-TCTGTAATATCAATCCACTGGCAGTCTATGTCTGCACCATAGGTATCATAACAGCCAGGA[C>T]TCAATCCCTAAGATAAACAAAATAAAAAATTTAAAATTATGGTATGTGGTCAGACTATGA-3'
Protein context (NP_002308.2, residues 338-358): FACTAHTQGL[Ser348Asn]PGCYDTYGAD